The following is an entry in ClinVar:

NM_000202.8(IDS):c.613G>A (p.Ala205Thr)

Genes: IDS (iduronate 2-sulfatase; minus strand), LOC106050102 (IDS recombination region; plus strand). Cytogenetic location: Xq28.
Variant type: single nucleotide variant.
Coding change: c.613G>A on transcript NM_000202.8 (MANE Select); coding-DNA position 613, G replaced by A.
Protein change: p.Ala205Thr; replaces alanine 205 with threonine.
Molecular consequence: missense variant. On other transcripts: non-coding transcript variant (1).
Genome position (GRCh38, 1-based): chrX:149,498,202, C>T on the plus strand (G>A on the coding strand, the complement: IDS is on the minus strand). VCF-style: chrX-149498202-C-T. GRCh37 (hg19) VCF-style: chrX-148579733-C-T.
Other names: c.343G>A, p.Ala115Thr (NM_001166550.4); c.613G>A, p.Ala205Thr (NM_006123.5); short protein forms A205T, A115T.
Identifiers: ClinVar variation 816852 (VCV000816852.5), dbSNP rs864622779, ClinGen allele CA414522339.

ClinVar aggregate classification (germline): Pathogenic/Likely pathogenic. Review status: criteria provided, multiple submitters, no conflicts (2 of 4 stars). 4 submissions from 4 submitters: Pathogenic (1); Likely pathogenic (1). 2 of the submissions do not count toward it. Last evaluated 2024-06-07.

Conditions:
Mucopolysaccharidosis, MPS-II (MPS2). Also called: Attenuated MPS (subtype; formerly known as mild MPS II); Severe MPS II; I2S deficiency; MPS 2; Hunter Syndrome; IDURONATE 2-SULFATASE DEFICIENCY. Identifiers: Orphanet 580, Orphanet 79388, MedGen C0026705, MONDO:0010674, OMIM 309900.

Allele frequency attached by ClinVar (database versions not stated): gnomAD exomes below 0.00001.

Submissions (4):

Laboratory of Diagnosis and Therapy of Lysosomal Disorders, University of Padova
Classification: Pathogenic for Mucopolysaccharidosis, MPS-II. Last evaluated: 2024-06-07. Review status: criteria provided, single submitter. Criteria: ACMG Guidelines, 2015. Collection method: literature only. Allele origin: germline. Affected: yes. Observed: 1 variant allele.
Comment: Prevalence of the variant significantly increased in affected individuals compared with controls (PS4_Moderate), Absent from controls (or at low frequency) in gnomAD database (PM2_Moderate), Missense variant in a gene with a low rate of benign missense variation (PP2_Supporting), Multiple lines of computational evidence support a deleterious effect (PP3_Supporting), Patient’s phenotype or family history highly specific for the disease (PP4_Strong)

Classification method: ACMG Guidelines [PMID:25741868] with modifications

Fulgent Genetics
Classification: Likely pathogenic for Mucopolysaccharidosis, MPS-II. Last evaluated: 2024-02-16. Review status: criteria provided, single submitter. Criteria: ACMG Guidelines, 2015. Collection method: clinical testing. Allele origin: germline.

Molecular Genetic Laboratory, Kuwait Medical Genetic Center
Classification: Benign for Mucopolysaccharidosis, MPS-II. Last evaluated: 2025-04-09. Review status: no assertion criteria provided. Collection method: clinical testing. Allele origin: germline. Inheritance: X-linked recessive inheritance. Affected: no. Observed: 1 hemizygote. Not counted in ClinVar's aggregate classification.
Comment: This variant has been detected in two males with normal biochemical levels for mucopolysaccharidosis and normal clinical phenotype.

Lupski Lab, Baylor-Hopkins CMG, Baylor College of Medicine
Classification: Likely pathogenic for Mucopolysaccharidosis, MPS-II. Review status: no assertion criteria provided. Collection method: research. Allele origin: inherited. Inheritance: X-linked inheritance. Affected: yes. Observed: 2 variant alleles, 1 heterozygote, 1 hemizygote. Not counted in ClinVar's aggregate classification.

Literature cited by the submitters: PubMed 26752647 (cited by Laboratory of Diagnosis and Therapy of Lysosomal Disorders, University of Padova and Lupski Lab, Baylor-Hopkins CMG, Baylor College of Medicine).